The following is an entry in ClinVar:

ClinVar aggregate classification (germline): Likely benign (0 of 4 stars; one submission).

Conditions:
MTRFR-related disorder. Also called: MTRFR-related condition.

Allele frequency attached by ClinVar (database versions not stated): TOPMed 0.00002; gnomAD 0.00013; gnomAD exomes 0.00016; ExAC 0.00043; 1000 Genomes Project 0.00060; 1000 Genomes Project 30x 0.00078.
gnomAD v4.1: 257 of 1,614,164 alleles (0.016%); highest among the groups gnomAD compares: South Asian, 0.26%; 1 homozygote.

Submission:

PreventionGenetics, part of Exact Sciences
Classification: Likely benign for MTRFR-related condition. Last evaluated: 2019-05-28. Review status: no assertion criteria provided. Collection method: clinical testing. Allele origin: germline.
Comment: This variant is classified as likely benign based on ACMG/AMP sequence variant interpretation guidelines (Richards et al. 2015 PMID: 25741868, with internal and published modifications).

NM_152269.5(MTRFR):c.-8C>T

Gene: MTRFR (mitochondrial translation release factor in rescue; plus strand). Cytogenetic location: 12q24.31.
Variant type: single nucleotide variant.
Coding change: c.-8C>T on transcript NM_152269.5 (MANE Select); 8 bases upstream of the start codon, C replaced by T.
Molecular consequence: 5 prime UTR variant.
Genome position (GRCh38, 1-based): chr12:123,253,667, C>T. VCF-style: chr12-123253667-C-T. GRCh37 (hg19) VCF-style: chr12-123738214-C-T.
Other names: c.-8C>T (NM_001143905.2, NM_001194995.1).
Identifiers: ClinVar variation 3038885 (VCV003038885.2), dbSNP rs373247321, ClinGen allele CA6856496.